The following is an entry in ClinVar:

ClinVar aggregate classification (germline): Benign/Likely benign. Review status: criteria provided, multiple submitters, no conflicts (2 of 4 stars). 3 submissions from 3 submitters: Benign (1); Likely benign (2). Last evaluated 2025-11-14.

Allele frequency attached by ClinVar (database versions not stated): ESP Exome Variant Server 0.00009; TOPMed 0.00015; ExAC 0.00017; gnomAD 0.00017; gnomAD exomes 0.00020.
gnomAD v4.1: 230 of 1,204,230 alleles (0.019%); highest among the groups gnomAD compares: East Asian, 0.31%; no homozygotes.

Submissions (3):

Labcorp Genetics (formerly Invitae), Labcorp
Classification: Benign. Last evaluated: 2025-11-14. Review status: criteria provided, single submitter. Criteria: Invitae Variant Classification Sherloc (09022015). Collection method: clinical testing. Allele origin: germline.

Blueprint Genetics
Classification: Likely benign. Last evaluated: 2024-09-16. Review status: criteria provided, single submitter. Criteria: ACMG Guidelines, 2015. Collection method: clinical testing. Allele origin: germline.

CeGaT Center for Human Genetics Tuebingen
Classification: Likely benign. Last evaluated: 2022-11-01. Review status: criteria provided, single submitter. Criteria: CeGaT Center For Human Genetics Tuebingen Variant Classification Criteria Version 2. Collection method: clinical testing. Allele origin: germline. Affected: yes. Observed: 1 variant allele.
Comment: HCCS: BS2

NM_005333.5(HCCS):c.101-11G>C

Gene: HCCS (holocytochrome c synthase; plus strand). Cytogenetic location: Xp22.2.
Variant type: single nucleotide variant.
Coding change: c.101-11G>C on transcript NM_005333.5 (MANE Select); 11 bases into the intron before coding-DNA position 101, G replaced by C.
Molecular consequence: intron variant.
Genome position (GRCh38, 1-based): chrX:11,114,824, G>C. VCF-style: chrX-11114824-G-C. GRCh37 (hg19) VCF-style: chrX-11132944-G-C.
Other names: c.101-11G>C (NM_001122608.3, NM_001171991.3).
Identifiers: ClinVar variation 2659980 (VCV002659980.27), dbSNP rs374267052, ClinGen allele CA10347779.
Genomic context (GRCh38, chrX:11,114,824, plus strand): 5'-TAGTGCTCCAATTGAGAGAGTTAGATGTCCTGCCTTCATGGTGACACCATTTTTATACTT[G>C]ATTATTTCAGGCTGTCCAGTGAATACAGAGCCATCTGGCCCAACCTGTGAGAAGAAAACA-3'